The following is an entry in ClinVar:

ClinVar aggregate classification (germline): Uncertain significance (1 of 4 stars; one submission).

gnomAD v4.1: 5 of 1,554,002 alleles (0.00032%); highest among the groups gnomAD compares: African/African-American, 0.0068%; no homozygotes.

Submission:

GeneDx
Classification: Uncertain significance. Last evaluated: 2025-05-02. Review status: criteria provided, single submitter. Criteria: GeneDx Variant Classification Process June 2021. Collection method: clinical testing. Allele origin: germline.
Comment: Not observed at significant frequency in large population cohorts (gnomAD); Missense variant in a gene in which most reported pathogenic variants are truncating/loss of function; Has not been previously published as pathogenic or benign to our knowledge

NM_001267550.2(TTN):c.65276A>G (p.Asp21759Gly)

Genes: TTN (titin; minus strand), TTN-AS1 (TTN antisense RNA 1; plus strand). Cytogenetic location: 2q31.2.
Variant type: single nucleotide variant.
Coding change: c.65276A>G on transcript NM_001267550.2 (MANE Select); coding-DNA position 65276, A replaced by G.
Protein change: p.Asp21759Gly; replaces aspartic acid 21759 with glycine.
Molecular consequence: missense variant. On other transcripts: non-coding transcript variant (1).
Genome position (GRCh38, 1-based): chr2:178,583,906, T>C on the plus strand (A>G on the coding strand, the complement: TTN is on the minus strand). VCF-style: chr2-178583906-T-C. GRCh37 (hg19) VCF-style: chr2-179448633-T-C.
Other names: c.60353A>G, p.Asp20118Gly (NM_001256850.1); c.38081A>G, p.Asp12694Gly (NM_003319.4); c.57572A>G, p.Asp19191Gly (NM_133378.4); c.38456A>G, p.Asp12819Gly (NM_133432.3); c.38657A>G, p.Asp12886Gly (NM_133437.4); short protein forms D12694G, D12819G, D12886G, D19191G, D20118G, D21759G.
Identifiers: ClinVar variation 3602983 (VCV003602983.2).
Genomic context (GRCh38, chr2:178,583,906, plus strand): 5'-GCCCAGATCAGAGATACAGTACTCTTGGTGACATCAATAACCTCAGGTTTCCCAGGAGGA[T>C]CTAAAACAAAAAGAGGTACACTCACCATTTATCTTACCAGCAGAAGTTTAAACTTCCATA-3'
Protein context (NP_001254479.2, residues 21749-21769): TEYVTARMPV[Asp21759Gly]PPGKPEVIDV